The following is an entry in ClinVar:

NM_000161.3(GCH1):c.631_632del (p.Met211fs)

Gene: GCH1 (GTP cyclohydrolase 1; minus strand). Cytogenetic location: 14q22.2.
Variant type: Deletion.
Coding change: c.631_632del on transcript NM_000161.3 (MANE Select); coding-DNA positions 631 to 632, 2 bases deleted (AT; older notation c.631_632delAT).
Protein change: p.Met211fs; shifts the reading frame from methionine 211.
Molecular consequence: frameshift variant. On other transcripts: intron variant (2).
Genome position (GRCh38, 1-based): chr14:54,844,138-54,844,139, AT deleted on the plus strand (AT on the coding strand, the reverse complement: GCH1 is on the minus strand). VCF-style (leftmost placement, unchanged base first): chr14-54844137-CAT-C. GRCh37 (hg19) VCF-style: chr14-55310855-CAT-C.
Other names: c.631_632del, p.Met211fs (NM_001024024.2); c.627-1085_627-1084del (NM_001024071.2); c.627-270_627-269del (NM_001024070.2); c.631_632del (NM_000161.2); short protein forms M211fs.
Identifiers: ClinVar variation 265173 (VCV000265173.55), dbSNP rs886039379, ClinGen allele CA10588575.
Genomic context (GRCh38, chr14:54,844,137, plus strand): 5'-CAACATTGTGCTGGTCACAGTTTTGCTGTTCATTTTCTGTACACCTCGCATTACCATACA[CAT>C]GTGTCTACAAAATAAGGCAACACAGGTTGTTTAAAGGAGTAGACAGCTGCTGGTTTGGTT-3'

ClinVar aggregate classification (germline): Pathogenic/Likely pathogenic. Review status: criteria provided, multiple submitters, no conflicts (2 of 4 stars). 11 submissions from 11 submitters: Pathogenic (10); Likely pathogenic (1). Last evaluated 2026-11-13.

Conditions:
Inborn genetic diseases. Identifiers: MedGen C0950123, MeSH D030342.
Dystonia 5 (DRD). Also called: GTP Cyclohydrolase 1-Deficient Dopa-Responsive Dystonia; DYSTONIA, PROGRESSIVE, WITH DIURNAL VARIATION; DYSTONIA-PARKINSONISM WITH DIURNAL FLUCTUATION; Dystonia, DOPA-responsive, with or without hyperphenylalaninemia; DYT-GCH1. Identifiers: Orphanet 98808, MedGen C1851920, MONDO:0007495, OMIM 128230.
GTP cyclohydrolase I deficiency. Identifiers: MedGen C0268467, MONDO:0100184.

Allele frequency attached by ClinVar (database versions not stated): gnomAD exomes below 0.00001.

Submissions (11):

Randwick Genomics Laboratory, Prince of Wales Hospital Sydney, Australia, New South Wales Health Pathology
Classification: Pathogenic for Dystonia 5. Last evaluated: 2026-11-13. Review status: criteria provided, single submitter. Criteria: ACMG Guidelines, 2015. Collection method: clinical testing. Allele origin: germline. Inheritance: Autosomal dominant inheritance. Affected: yes. Observed: 1 variant allele.
Comment: A heterozygous previously reported pathogenic loss of function variant is present in GCH1. Autosomal dominant dopa-responsive dystonia (DRD) is characterised by generalized dystonia, diurnal fluctuation of symptoms, and a dramatic therapeutic response to L-dopa. The clinical spectrum can range from subtle neurologic signs and symptoms (e.g., abnormal writing tests) to orthopedic signs (e.g., pes equinovarus), parkinsonism, and may include psychiatric manifestations (cited from OMIM). A well-established pathogenic allele, NM_000161.3:c.631_632del has been detected in the GCH1 gene. The c.631_632del variant, located in exon 6 of the GCH1 gene, describes the deletion of 2 nucleotides from position 631 to 632, causing a translational frameshift commending at codon Methionine-211 with the insertion of a predicted STOP codon from an alternate reading frame after 38 amino acids - p.(Met211Valfs*38). The variant has been reported in in multiple affected individuals with dopa-responsive dystonia (PMIDs: 9778264, 10496263, 19491146; 25181484). ClinVar contains an entry for this variant as a pathogenic allele of GCH1 (VCV000265173). The c.631_632del is not observed in population databases. As this frameshift occurs at the 3' end of the GCH1 gene it is not expected to trigger nonsense-mediated mRNA decay, and a truncated mutant protein could still be expressed. This variant impacts the last 40 amino acids of the protein and the exact functional impact of these altered amino acids is unknown at this time. Zygosity: 1 Single heterozygote

Labcorp Genetics (formerly Invitae), Labcorp
Classification: Pathogenic for GTP cyclohydrolase I deficiency; Dystonia 5. Last evaluated: 2026-01-21. Review status: criteria provided, single submitter. Criteria: Invitae Variant Classification Sherloc (09022015). Collection method: clinical testing. Allele origin: germline.
Comment: This sequence change creates a premature translational stop signal (p.Met211Valfs*38) in the GCH1 gene. While this is not anticipated to result in nonsense mediated decay, it is expected to disrupt the last 40 amino acid(s) of the GCH1 protein. This variant is not present in population databases (gnomAD no frequency). This premature translational stop signal has been observed in individuals with dopa-responsive dystonia (PMID: 9778264, 19491146, 23430498). ClinVar contains an entry for this variant (Variation ID: 265173). For these reasons, this variant has been classified as Pathogenic.

GeneDx
Classification: Pathogenic. Last evaluated: 2026-01-06. Review status: criteria provided, single submitter. Criteria: GeneDx Variant Classification Process June 2021. Collection method: clinical testing. Allele origin: germline. Affected: yes.
Comment: Frameshift variant predicted to result in abnormal protein length as the last 40 amino acids are replaced with 37 different amino acids, and other similar variants have been reported in HGMD; Not observed at significant frequency in large population cohorts (gnomAD); This variant is associated with the following publications: (PMID: 17101845, 32185155, 32278297, 9778264, 19491146, 25181484, 33875303, 36054588, 9566388, 36648081, 15389992)

Ambry Genetics
Classification: Pathogenic for Inborn genetic diseases. Last evaluated: 2026-01-05. Review status: criteria provided, single submitter. Criteria: Ambry Variant Classification Scheme 2023. Collection method: clinical testing. Allele origin: germline.
Comment: The c.631_632delAT (p.M211Vfs*38) alteration, located in coding exon 6 (coding exon 6) of the GCH1 gene, consists of a deletion of 2 nucleotides from position 631 to 632, causing a translational frameshift with a predicted alternate stop codon after 38 amino acids. This variant is not expected to trigger nonsense-mediated mRNA decay and impacts the last 16% of the protein. However, premature stop codons are typically deleterious in nature, the impacted region is critical for protein function and a significant portion of the protein is affected (Ambry internal data). This variant was not reported in population-based cohorts in the Genome Aggregation Database (gnomAD). This variant has been identified in the homozygous state and/or in conjunction with other GCH1 variant(s) in individual(s) with features consistent with autosomal recessive GTP cyclohydrolase I deficiency; in at least one instance, the variants were identified in trans (Bandmann, 1998; Furukawa, 1998). This variant was also reported in individual(s) with features consistent with autosomal dominant GTP cyclohydrolase I deficiency (Sun, 2014; P&eacute;rez-Due&ntilde;as, 2022). Based on the available evidence, this alteration is classified as pathogenic.

Variantyx, Inc.
Classification: Pathogenic for Dystonia 5. Last evaluated: 2025-10-02. Review status: criteria provided, single submitter. Criteria: Variantyx Assertion Criteria 2022. Collection method: clinical testing. Allele origin: germline. Inheritance: Autosomal dominant inheritance. Affected: yes.
Comment: This is a frameshift variant in the GCH1 gene (OMIM: 600225). Pathogenic variants in this gene have been associated with autosomal dominant DOPA-responsive dystonia with or without hyperphenylalaninemia. This variant introduces a premature termination codon in exon 6 out of 6 and is expected to result in loss of function through protein truncation, which is a known disease mechanism for GCH1 in this disorder (PMID: 17898029) (PVS1). This variant has been reported in many unrelated affected individuals (PMID: 9566388, 9778264, 19491146, 25181484) (PS4_Very_Strong). This variant has a 0.0001% maximum allele frequency in non-founder control populations (PM2). Based on the current evidence, this variant is classified as pathogenic for autosomal dominant DOPA-responsive dystonia with or without hyperphenylalaninemia. Inheritance from an unaffected parent or a parent with unknown affected status has been reported, consistent with incomplete penetrance (PMID: 18554280).

Institute of Human Genetics Munich, TUM University Hospital
Classification: Pathogenic for Dystonia 5. Last evaluated: 2025-06-16. Review status: criteria provided, single submitter. Criteria: Classification criteria August 2017. Collection method: clinical testing. Allele origin: maternal, germline. Inheritance: Autosomal dominant inheritance. Affected: yes. Observed: 2 variant alleles.

Department of Human Genetics, Hannover Medical School
Classification: Likely pathogenic for Dystonia 5. Last evaluated: 2024-09-25. Review status: criteria provided, single submitter. Criteria: ACMG Guidelines, 2015. Collection method: clinical testing. Allele origin: germline. Affected: yes.

3billion
Classification: Pathogenic for Dystonia 5. Last evaluated: 2023-07-25. Review status: criteria provided, single submitter. Criteria: ACMG Guidelines, 2015. Collection method: clinical testing. Allele origin: germline. Affected: yes.
Comment: The variant is not observed in the gnomAD v2.1.1 dataset. Predicted Consequence/Location: Frameshift: predicted to result in a loss or disruption of normal protein function through protein truncation. The predicted truncated protein may be shortened by more than 10%. The variant has been reported at least twice as pathogenic with clinical assertions and evidence for the classification (ClinVar ID: VCV000265173 /PMID: 9778264). Therefore, this variant is classified as Pathogenic according to the recommendation of ACMG/AMP guideline.

CeGaT Center for Human Genetics Tuebingen
Classification: Pathogenic. Last evaluated: 2022-11-01. Review status: criteria provided, single submitter. Criteria: CeGaT Center For Human Genetics Tuebingen Variant Classification Criteria Version 2. Collection method: clinical testing. Allele origin: germline. Affected: yes. Observed: 1 variant allele.
Comment: GCH1: PVS1:Strong, PM2, PP4:Moderate, PS4:Moderate

Institute of Medical Genetics and Applied Genomics, University Hospital Tübingen
Classification: Pathogenic. Last evaluated: 2020-10-23. Review status: criteria provided, single submitter. Criteria: ACMG Guidelines, 2015. Collection method: clinical testing. Allele origin: germline. Inheritance: Autosomal dominant inheritance. Affected: yes.

Centre for Mendelian Genomics, University Medical Centre Ljubljana
Classification: Pathogenic for Dystonia 5. Last evaluated: 2018-10-29. Review status: criteria provided, single submitter. Criteria: ACMG Guidelines, 2015. Collection method: clinical testing. Allele origin: unknown. Affected: yes.
Comment: This variant was classified as: Pathogenic. The following ACMG criteria were applied in classifying this variant: PVS1,PS1,PM2.

Literature cited by the submitters: PubMed 9778264 (cited by 4 submitters); PubMed 19491146 (cited by 3 submitters); PubMed 23430498 (cited by Labcorp Genetics (formerly Invitae), Labcorp); PubMed 9566388 (cited by Ambry Genetics and Variantyx, Inc.); PubMed 25181484 (cited by Ambry Genetics and Variantyx, Inc.); PubMed 36054588 (cited by Ambry Genetics); PubMed 22473768 (cited by Variantyx, Inc.).